The following is an entry in ClinVar:

NM_001267550.2(TTN):c.9164-2A>T

Gene: TTN (titin; minus strand). Cytogenetic location: 2q31.2.
Variant type: single nucleotide variant.
Coding change: c.9164-2A>T on transcript NM_001267550.2 (MANE Select); the canonical splice acceptor site of the intron before coding-DNA position 9164, A replaced by T.
Molecular consequence: splice acceptor variant.
Genome position (GRCh38, 1-based): chr2:178,768,157, T>A on the plus strand (A>T on the coding strand, the complement: TTN is on the minus strand). VCF-style: chr2-178768157-T-A. GRCh37 (hg19) VCF-style: chr2-179632884-T-A.
Other names: c.9164-2A>T (LRG_391t1, NM_133378.4, NM_001256850.1 and 1 more transcripts); c.9026-2A>T (NM_003319.4, NM_133437.4, NM_133432.3).
Identifiers: ClinVar variation 223344 (VCV000223344.9), dbSNP rs777369921, ClinGen allele CA090964.

ClinVar aggregate classification (germline): Conflicting classifications of pathogenicity. Review status: criteria provided, conflicting classifications (1 of 4 stars). 4 submissions from 4 submitters: Likely pathogenic (3); Uncertain significance (1). Last evaluated 2025-12-30.

Conditions:
Dilated cardiomyopathy 1G (CMD1G). Identifiers: Orphanet 154, MedGen C1858763, MONDO:0011400, OMIM 604145.
Autosomal recessive limb-girdle muscular dystrophy type 2J (LGMDR10). Also called: Limb-girdle muscular dystrophy, type 2J; MUSCULAR DYSTROPHY, LIMB-GIRDLE, AUTOSOMAL RECESSIVE 10. Identifiers: Orphanet 140922, MedGen C1837342, MONDO:0012127, OMIM 608807.
Primary dilated cardiomyopathy (DCM). Also called: Dilated Cardiomyopathy. Identifiers: Orphanet 217604, MedGen C0007193, MeSH D002311, MONDO:0005021, HP:0001644. Inheritance: Various modes of inheritance.
Autosomal recessive titinopathy. Identifiers: MedGen CN315649, MONDO:0100493.

Allele frequency attached by ClinVar (database versions not stated): gnomAD exomes below 0.00001; ExAC 0.00001; gnomAD 0.00002 and 0.00003; TOPMed 0.00002.
gnomAD v4.1: 5 of 1,613,942 alleles (0.00031%); highest among the groups gnomAD compares: African/African-American, 0.0067%; no homozygotes.

Submissions (4):

Labcorp Genetics (formerly Invitae), Labcorp
Classification: Likely pathogenic for Dilated cardiomyopathy 1G; Autosomal recessive limb-girdle muscular dystrophy type 2J. Last evaluated: 2025-12-30. Review status: criteria provided, single submitter. Criteria: Invitae Variant Classification Sherloc (09022015). Collection method: clinical testing. Allele origin: germline.
Comment: This sequence change affects an acceptor splice site in intron 38 of the TTN gene. It is expected to disrupt RNA splicing and likely results in a truncated or disrupted TTN protein. This variant is present in population databases (rs777369921, gnomAD 0.008%). This variant has not been reported in the literature in individuals affected with TTN-related conditions. ClinVar contains an entry for this variant (Variation ID: 223344). Algorithms developed to predict the effect of sequence changes on RNA splicing suggest that this variant may disrupt the consensus splice site. This variant is located in the I band of TTN (PMID: 25589632). Truncating variants in this region have been reported in individuals affected with autosomal recessive centronuclear myopathy (PMID: 23975875, internal data). Truncating variants in this region have also been identified in individuals affected with autosomal dominant dilated cardiomyopathy and/or cardio-related conditions (PMID: 27869827, 32964742, internal data). In summary, the currently available evidence indicates that the variant is pathogenic, but additional data are needed to prove that conclusively. Therefore, this variant has been classified as Likely Pathogenic.

Women's Health and Genetics/Laboratory Corporation of America, LabCorp
Classification: Likely pathogenic for Autosomal recessive titinopathy. Last evaluated: 2024-10-21. Review status: criteria provided, single submitter. Criteria: LabCorp Variant Classification Summary - May 2015. Collection method: clinical testing. Allele origin: germline.
Comment: Variant summary: TTN c.9164-2A>T, intron 38 in NM_13378 and NM_001267550, is located in a canonical splice-site and is predicted to affect mRNA splicing resulting in a significantly altered protein due to either exon skipping, shortening, or inclusion of intronic material. Variants that disrupt the consensus splice site are a relatively common cause of aberrant splicing and loss of TTN function. Several computational tools predict a significant impact on normal splicing: Four predict the variant abolishes a 3' acceptor site. Three predict the variant creates a 3' acceptor site. One predicts the variant strengthens a cryptic 3' acceptor site. However, these predictions have yet to be confirmed by functional studies. Nonsense, frameshift, and canonical splice-site variants in all TTN exon bands are strongly associated with a spectrum of autosomal recessive titinopathies (PMID: 32778822, 29691892, 33449170, 36977548, internal data). The clear majority (>90%) of recessive titinopathy cases require exon expression (proportion spliced in, PSI, 1=complete expression) in skeletal muscle to be PSI >0.1 (PMID: 36977548, 39198997, 29598826). In contrast, loss of function variants are only strongly associated with autosomal dominant TTN-related cardiomyopathies if located in exons constitutively expressed (PSI >0.9) in cardiac muscle, excluding extreme C-terminal exons 359-363 (PMID: 25589632, 31216868, 32964742, 34662387, 27869827, Shetty et al., Nat Cardiovasc Res 2024,, internal data). This variant is located in I-band with a maximum skeletal muscle PSI of 0.992 and maximum cardiac muscle PSI of 1. The variant allele was found at a frequency of 4e-06 in 250418 control chromosomes. c.9164-2A>T has been reported in the literature in at least 1 individual from the JHS cohort which contains a small proportion of participants affected with cardiomyopathies, however the phenotype of this individual was not clear (example, Roberts_2015). These report(s) do not provide unequivocal conclusions about association of the variant with Autosomal Recessive Titinopathy. To our knowledge, no experimental evidence demonstrating an impact on protein function has been reported. The following publication has been ascertained in the context of this evaluation (PMID: 25589632). ClinVar contains an entry for this variant (Variation ID: 223344). Based on the evidence outlined above, the variant was classified as likely pathogenic for both autosomal dominant and autosomal recessive TTN-related conditions.

GeneDx
Classification: Likely pathogenic. Last evaluated: 2023-10-25. Review status: criteria provided, single submitter. Criteria: GeneDx Variant Classification Process June 2021. Collection method: clinical testing. Allele origin: germline. Affected: yes.
Comment: Located in a region of TTN within the I-band in which the majority of loss of function variants are significantly associated with autosomal dominant titinopathies (PMID: 27625338, 27869827); Not observed at significant frequency in large population cohorts (gnomAD); Identified in an individual from the Jackson Heart Study (JHS) and all JHS participants found to harbor truncating TTN variants were reported to have normal cardiac parameters; however, specific clinical details and segregation studies were not available for this individual (PMID: 25589632); This variant is associated with the following publications: (PMID: 27625338, 27869827, 25589632)

Cardiovascular Biomedical Research Unit, Royal Brompton & Harefield NHS Foundation Trust
Classification: Uncertain significance for Primary dilated cardiomyopathy. Last evaluated: 2014-10-08. Review status: criteria provided, single submitter. Criteria: Roberts et al. 2015. Collection method: research. Allele origin: germline. Inheritance: Autosomal dominant inheritance. Affected: no. Observed: 1 variant allele. Study: JHS cohort.
Comment: In the seven cohorts assessed, TTNtv were found in 14% of ambulant DCM, 22% end-stage or familial DCM, and 2% controls. Heterozygous nonsense, frameshift and canonical splice-disrupting variants found in constitutive and other highly utilised exons are highly likely to be pathogenic when identified in individuals with phenotypically confirmed DCM. TTNtv found incidentally in healthy individuals (excluding familial assessment of DCM relatives) are thought to have low penetrance, particularly when identified in exons that are not constitutively expressed in the heart.

Literature cited by the submitters: PubMed 25589632 (cited by Labcorp Genetics (formerly Invitae), Labcorp and Women's Health and Genetics/Laboratory Corporation of America, LabCorp); PubMed 23975875 (cited by Labcorp Genetics (formerly Invitae), Labcorp); PubMed 27869827 (cited by Labcorp Genetics (formerly Invitae), Labcorp); PubMed 32964742 (cited by Labcorp Genetics (formerly Invitae), Labcorp).